The following is an entry in ClinVar:

ClinVar aggregate classification (germline): Uncertain significance (1 of 4 stars; one submission).

Allele frequency attached by ClinVar (database versions not stated): gnomAD 0.00004 and 0.00013; TOPMed 0.00004; gnomAD exomes 0.00005 and 0.00026; ExAC 0.00007; 1000 Genomes Project 30x 0.00062; 1000 Genomes Project 0.00080.
gnomAD v4.1: 388 of 1,613,802 alleles (0.024%); highest among the groups gnomAD compares: East Asian, 0.86%; 10 homozygotes.

Submission:

Labcorp Genetics (formerly Invitae), Labcorp
Classification: Uncertain significance. Last evaluated: 2022-05-04. Review status: criteria provided, single submitter. Criteria: Invitae Variant Classification Sherloc (09022015). Collection method: clinical testing. Allele origin: germline.
Comment: Algorithms developed to predict the effect of missense changes on protein structure and function are either unavailable or do not agree on the potential impact of this missense change (SIFT: "Tolerated"; PolyPhen-2: "Probably Damaging"; Align-GVGD: "Class C0"). In summary, the available evidence is currently insufficient to determine the role of this variant in disease. Therefore, it has been classified as a Variant of Uncertain Significance. Algorithms developed to predict the effect of sequence changes on RNA splicing suggest that this variant may create or strengthen a splice site. This variant has not been reported in the literature in individuals affected with C8A-related conditions. This variant is present in population databases (rs192696675, gnomAD 0.06%). This sequence change replaces leucine, which is neutral and non-polar, with serine, which is neutral and polar, at codon 9 of the C8A protein (p.Leu9Ser).

NM_000562.3(C8A):c.26T>C (p.Leu9Ser)

Gene: C8A (complement C8 alpha chain; plus strand). Cytogenetic location: 1p32.2.
Variant type: single nucleotide variant.
Coding change: c.26T>C on transcript NM_000562.3 (MANE Select); coding-DNA position 26, T replaced by C.
Protein change: p.Leu9Ser; replaces leucine 9 with serine.
Molecular consequence: missense variant.
Genome position (GRCh38, 1-based): chr1:56,854,927, T>C. VCF-style: chr1-56854927-T-C. GRCh37 (hg19) VCF-style: chr1-57320600-T-C.
Other names: short protein forms L9S.
Identifiers: ClinVar variation 1434605 (VCV001434605.7), dbSNP rs192696675, ClinGen allele CA874880.
Genomic context (GRCh38, chr1:56,854,927, plus strand): 5'-TTCAAGGTAATATAGTGCGGTGGCTTCTGGCTGAGATGTTTGCTGTTGTTTTCTTCATCT[T>C]GTCTTTGATGACTTGTCAGCCTGGGGTAACTGCACAGGAGAAGGTGAACCAGTAAGTGGG-3'
Protein context (NP_000553.1, residues 1-19): MFAVVFFI[Leu9Ser]SLMTCQPGVT